The following is an entry in ClinVar:

ClinVar aggregate classification (germline): Uncertain significance (1 of 4 stars; one submission).

Submission:

GeneDx
Classification: Uncertain significance. Last evaluated: 2026-03-26. Review status: criteria provided, single submitter. Criteria: GeneDx Variant Classification Process June 2021. Collection method: clinical testing. Allele origin: germline.
Comment: Not observed at significant frequency in large population cohorts (gnomAD); In silico analysis supports that this missense variant has a deleterious effect on protein structure/function; Has not been previously published as pathogenic or benign to our knowledge

NM_182641.4(BPTF):c.7139A>T (p.His2380Leu)

Gene: BPTF (bromodomain PHD finger transcription factor; plus strand). Cytogenetic location: 17q24.2.
Variant type: single nucleotide variant.
Coding change: c.7139A>T on transcript NM_182641.4 (MANE Select); coding-DNA position 7139, A replaced by T.
Protein change: p.His2380Leu; replaces histidine 2380 with leucine.
Molecular consequence: missense variant.
Genome position (GRCh38, 1-based): chr17:67,945,847, A>T. VCF-style: chr17-67945847-A-T. GRCh37 (hg19) VCF-style: chr17-65941963-A-T.
Other names: c.7328A>T, p.His2443Leu (NM_001439139.1, NM_001439143.1, NM_001439144.1); c.7517A>T, p.His2506Leu (NM_001439140.1, NM_001439142.1, NM_004459.7); c.7490A>T, p.His2497Leu (NM_001439141.1); short protein forms H2380L, H2443L, H2497L, H2506L.
Identifiers: ClinVar variation 5017691 (VCV005017691.1).